The following is an entry in ClinVar:

NM_003803.4(MYOM1):c.976T>G (p.Tyr326Asp)

Gene: MYOM1 (myomesin 1; minus strand). Cytogenetic location: 18p11.31.
Variant type: single nucleotide variant.
Coding change: c.976T>G on transcript NM_003803.4 (MANE Select); coding-DNA position 976, T replaced by G.
Protein change: p.Tyr326Asp; replaces tyrosine 326 with aspartic acid.
Molecular consequence: missense variant.
Genome position (GRCh38, 1-based): chr18:3,176,088, A>C on the plus strand (T>G on the coding strand, the complement: MYOM1 is on the minus strand). VCF-style: chr18-3176088-A-C. GRCh37 (hg19) VCF-style: chr18-3176086-A-C.
Other names: c.976T>G, p.Tyr326Asp (NM_019856.2); short protein forms Y326D.
Identifiers: ClinVar variation 4825770 (VCV004825770.1).

ClinVar aggregate classification (germline): Uncertain significance (1 of 4 stars; one submission).

Submission:

Ambry Genetics
Classification: Uncertain significance. Last evaluated: 2026-03-12. Review status: criteria provided, single submitter. Criteria: Ambry Variant Classification Scheme 2023. Collection method: clinical testing. Allele origin: germline.
Comment: The p.Y326D variant (also known as c.976T>G), located in coding exon 5 of the MYOM1 gene, results from a T to G substitution at nucleotide position 976. The tyrosine at codon 326 is replaced by aspartic acid, an amino acid with highly dissimilar properties. This amino acid position is conserved. In addition, this alteration is predicted to be deleterious by in silico analysis. Based on the available evidence, the clinical significance of this variant remains unclear.